The following is an entry in ClinVar:

NM_003000.3(SDHB):c.88del (p.Gln30fs)

Gene: SDHB (succinate dehydrogenase complex iron sulfur subunit B; minus strand). Cytogenetic location: 1p36.13.
Variant type: Deletion.
Coding change: c.88del on transcript NM_003000.3 (MANE Select); coding-DNA position 88, one base deleted (C; older notation c.88delC).
Protein change: p.Gln30fs; shifts the reading frame from glutamine 30.
Molecular consequence: frameshift variant.
Genome position (GRCh38, 1-based): chr1:17,044,873, G deleted on the plus strand (C on the coding strand, the reverse complement: SDHB is on the minus strand); the first of 3 consecutive G bases (chr1:17,044,873-17,044,875); deleting any one gives the same sequence. VCF-style (leftmost placement, unchanged base first): chr1-17044872-TG-T. GRCh37 (hg19) VCF-style: chr1-17371367-TG-T.
Other names: c.88delC (NM_003000.2).
Identifiers: ClinVar variation 186518 (VCV000186518.16), dbSNP rs747198089, ClinGen allele CA016194.

ClinVar aggregate classification (germline): Pathogenic. Review status: criteria provided, multiple submitters, no conflicts (2 of 4 stars). 6 submissions from 6 submitters: Pathogenic (4). 2 of the submissions do not count toward it. Last evaluated 2026-08-06.

Conditions:
Inherited phaeochromocytoma and paraganglioma excluding NF1.
Gastrointestinal stromal tumor. Also called: Gastrointestinal stromal tumor, somatic; Gastrointestinal stroma tumor. Identifiers: Orphanet 44890, MedGen C0238198, MeSH D046152, MONDO:0011719, OMIM 606764, HP:0100723.
Pheochromocytoma. Also called: MAX-Related Hereditary Paraganglioma-Pheochromocytoma Syndrome. Identifiers: Orphanet 29072, MedGen C0031511, MONDO:0008233, OMIM 171300, HP:0002666.
Pheochromocytoma/paraganglioma syndrome 4. Also called: Paragangliomas 4; PARAGANGLIOMA, FAMILIAL MALIGNANT; PARAGANGLIOMAS, HEREDITARY EXTRAADRENAL; PHEOCHROMOCYTOMA, FAMILIAL EXTRAADRENAL; SDHB-Related Hereditary Paraganglioma-Pheochromocytoma Syndrome; CAROTID BODY TUMORS AND MULTIPLE EXTRAADRENAL PHEOCHROMOCYTOMAS. Identifiers: Orphanet 29072, MedGen C1861848, MONDO:0007273, OMIM 115310.
Hereditary pheochromocytoma and paraganglioma. Also called: Hereditary Paraganglioma-Pheochromocytoma Syndromes; Hereditary paragangliomas and pheochromocytomas; Hereditary pheochromocytoma-paraganglioma. Identifiers: Orphanet 29072, MedGen C4274332, MONDO:0017366.
Hereditary cancer-predisposing syndrome. Also called: Tumor predisposition; Neoplastic Syndromes, Hereditary; Hereditary Cancer Syndrome; Hereditary neoplastic syndrome. Identifiers: Orphanet 140162, MedGen C0027672, MeSH D009386, MONDO:0015356.

Submissions (6):

NHS Central & South Genomic Laboratory Hub
Classification: Pathogenic for Inherited phaeochromocytoma and paraganglioma excluding NF1. Last evaluated: 2026-08-06. Review status: criteria provided, single submitter. Criteria: ACMG Guidelines, 2015. Collection method: clinical testing. Allele origin: germline. Affected: yes.

Labcorp Genetics (formerly Invitae), Labcorp
Classification: Pathogenic for Gastrointestinal stromal tumor; Pheochromocytoma/paraganglioma syndrome 4; Pheochromocytoma. Last evaluated: 2025-10-28. Review status: criteria provided, single submitter. Criteria: Invitae Variant Classification Sherloc (09022015). Collection method: clinical testing. Allele origin: germline.
Comment: This sequence change creates a premature translational stop signal (p.Gln30Argfs*47) in the SDHB gene. It is expected to result in an absent or disrupted protein product. Loss-of-function variants in SDHB are known to be pathogenic (PMID: 19454582, 19802898). This variant is present in population databases (rs747198089, gnomAD 0.0009%). This premature translational stop signal has been observed in individual(s) with clinical features of hereditary paraganglioma-pheochromocytoma (PGL-PCC) syndrome (PMID: 12618761, 19596260, 24395865). ClinVar contains an entry for this variant (Variation ID: 186518). For these reasons, this variant has been classified as Pathogenic.

Ambry Genetics
Classification: Pathogenic for Hereditary cancer-predisposing syndrome. Last evaluated: 2025-03-17. Review status: criteria provided, single submitter. Criteria: Ambry Variant Classification Scheme 2023. Collection method: clinical testing. Allele origin: germline.
Comment: The c.88delC pathogenic mutation, located in coding exon 2 of the SDHB gene, results from a deletion of one nucleotide at position 88, causing a translational frameshift with a predicted alternate stop codon. Functional studies of this alteration have demonstrated the absence of SDH enzymatic activity as well as the absence of SDHB protein in cell-based assays when compared to wildtype, indicating nonsense-mediated mRNA decay or protein degradation as a mechanism for absent enzymatic activity (Kim E, Endocr. Relat. Cancer 2015 Jun; 22(3):387-97). This variant is considered to be rare based on population cohorts in the Genome Aggregation Database (gnomAD). As such, this alteration is interpreted as a disease-causing mutation.

Quest Diagnostics Nichols Institute San Juan Capistrano
Classification: Pathogenic. Last evaluated: 2024-04-12. Review status: criteria provided, single submitter. Criteria: Quest Diagnostics criteria. Collection method: clinical testing. Allele origin: unknown.
Comment: The SDHB c.88del (p.Gln30Argfs*47) variant alters the translational reading frame of the SDHB mRNA and causes the premature termination of SDHB protein synthesis. This variant has been reported in the published literature in in individuals with hereditary paraganglioma-pheochromocytoma (PGL-PCC) syndrome (PMID: 12618761 (2003), 19454582 (2009), 19596260 (2009), 23072324 (2013)) and renal cell carcinoma (PMID: 24395865 (2014)). The frequency of this variant in the general population, 0.000032 (1/30914 chromosomes (Genome Aggregation Database)), is consistent with pathogenicity. Based on the available information, this variant is classified as pathogenic.

Exeter Genomics Laboratory, Royal Devon University Healthcare NHS Foundation Trust
Classification: Pathogenic for Inherited phaeochromocytoma and paraganglioma excluding NF1. Last evaluated: 2025-06-11. Review status: no assertion criteria provided. Collection method: clinical testing. Allele origin: germline. Affected: yes. Not counted in ClinVar's aggregate classification.

Section on Medical Neuroendocrinolgy, National Institutes of Health
Classification: Pathogenic for Hereditary pheochromocytoma and paraganglioma. Review status: no assertion criteria provided. Collection method: research. Allele origin: germline. Affected: yes. Not counted in ClinVar's aggregate classification.

Literature cited by the submitters: PubMed 19454582 (cited by Labcorp Genetics (formerly Invitae), Labcorp and Quest Diagnostics Nichols Institute San Juan Capistrano); PubMed 19802898 (cited by Labcorp Genetics (formerly Invitae), Labcorp); PubMed 12618761 (cited by Labcorp Genetics (formerly Invitae), Labcorp and Quest Diagnostics Nichols Institute San Juan Capistrano); PubMed 19596260 (cited by Labcorp Genetics (formerly Invitae), Labcorp and Quest Diagnostics Nichols Institute San Juan Capistrano); PubMed 24395865 (cited by Labcorp Genetics (formerly Invitae), Labcorp and Quest Diagnostics Nichols Institute San Juan Capistrano); PubMed 25972245 (cited by Ambry Genetics and Quest Diagnostics Nichols Institute San Juan Capistrano); PubMed 29386252 (cited by Quest Diagnostics Nichols Institute San Juan Capistrano); PubMed 23072324 (cited by Quest Diagnostics Nichols Institute San Juan Capistrano); PubMed 28369925 (cited by Quest Diagnostics Nichols Institute San Juan Capistrano); PubMed 25025441 (cited by Quest Diagnostics Nichols Institute San Juan Capistrano); PubMed 31579262 (cited by Quest Diagnostics Nichols Institute San Juan Capistrano); PubMed 34703596 (cited by Quest Diagnostics Nichols Institute San Juan Capistrano).